The following is an entry in ClinVar:

NM_152393.4(KLHL40):c.1160A>G (p.His387Arg)

Gene: KLHL40 (kelch like family member 40; plus strand). Cytogenetic location: 3p22.1.
Variant type: single nucleotide variant.
Coding change: c.1160A>G on transcript NM_152393.4 (MANE Select); coding-DNA position 1160, A replaced by G.
Protein change: p.His387Arg; replaces histidine 387 with arginine.
Molecular consequence: missense variant.
Genome position (GRCh38, 1-based): chr3:42,688,149, A>G. VCF-style: chr3-42688149-A-G. GRCh37 (hg19) VCF-style: chr3-42729641-A-G.
Other names: c.1160A>G (NM_152393.2); short protein forms H387R.
Identifiers: ClinVar variation 855520 (VCV000855520.8), dbSNP rs201336129, ClinGen allele CA2336842.

ClinVar aggregate classification (germline): Conflicting classifications of pathogenicity. Review status: criteria provided, conflicting classifications (1 of 4 stars). 3 submissions from 3 submitters: Uncertain significance (2); Likely benign (1). Last evaluated 2024-11-07.

Conditions:
Inborn genetic diseases. Identifiers: MedGen C0950123, MeSH D030342.
Nemaline myopathy 8 (NEM8). Also called: Nemaline myopathy 8, autosomal recessive. Identifiers: Orphanet 171430, MedGen C3809209, MONDO:0014138, OMIM 615348.

Allele frequency attached by ClinVar (database versions not stated): gnomAD 0.00006; gnomAD exomes 0.00006 and 0.00010; TOPMed 0.00009; ExAC 0.00012.
gnomAD v4.1: 95 of 1,613,782 alleles (0.0059%); highest among the groups gnomAD compares: Non-Finnish European, 0.0011%; no homozygotes.

Submissions (3):

Labcorp Genetics (formerly Invitae), Labcorp
Classification: Likely benign for Nemaline myopathy 8. Last evaluated: 2024-11-07. Review status: criteria provided, single submitter. Criteria: Invitae Variant Classification Sherloc (09022015). Collection method: clinical testing. Allele origin: germline.

GeneDx
Classification: Uncertain significance. Last evaluated: 2024-07-01. Review status: criteria provided, single submitter. Criteria: GeneDx Variant Classification Process June 2021. Collection method: clinical testing. Allele origin: germline. Affected: yes.
Comment: In silico analysis indicates that this missense variant does not alter protein structure/function; Has not been previously published as pathogenic or benign to our knowledge

Ambry Genetics
Classification: Uncertain significance for Inborn genetic diseases. Last evaluated: 2022-05-26. Review status: criteria provided, single submitter. Criteria: Ambry Variant Classification Scheme 2023. Collection method: clinical testing. Allele origin: germline.